The following is an entry in ClinVar:

ClinVar aggregate classification (germline): Pathogenic (1 of 4 stars; one submission).

Conditions:
Pheochromocytoma/paraganglioma syndrome 4. Also called: SDHB-Related Hereditary Paraganglioma-Pheochromocytoma Syndrome (Paragangliomas 4); SDHB-Related Hereditary Paraganglioma-Pheochromocytoma Syndrome; CAROTID BODY TUMORS AND MULTIPLE EXTRAADRENAL PHEOCHROMOCYTOMAS; PARAGANGLIOMA, FAMILIAL MALIGNANT; PARAGANGLIOMAS, HEREDITARY EXTRAADRENAL; PHEOCHROMOCYTOMA, FAMILIAL EXTRAADRENAL. Identifiers: Orphanet 29072, MedGen C1861848, MONDO:0007273, OMIM 115310.
Pheochromocytoma. Also called: MAX-Related Hereditary Paraganglioma-Pheochromocytoma Syndrome. Identifiers: Orphanet 29072, MedGen C0031511, MONDO:0008233, OMIM 171300, HP:0002666.
Gastrointestinal stromal tumor. Also called: Gastrointestinal stromal tumor, somatic; Gastrointestinal stroma tumor. Identifiers: Orphanet 44890, MedGen C0238198, MeSH D046152, MONDO:0011719, OMIM 606764, HP:0100723.

Submission:

Labcorp Genetics (formerly Invitae), Labcorp
Classification: Pathogenic for Gastrointestinal stromal tumor; Pheochromocytoma/paraganglioma syndrome 4; Pheochromocytoma. Last evaluated: 2026-01-13. Review status: criteria provided, single submitter. Criteria: Invitae Variant Classification Sherloc (09022015). Collection method: clinical testing. Allele origin: germline.
Comment: This sequence change creates a premature translational stop signal (p.Cys22Leufs*41) in the SDHB gene. It is expected to result in an absent or disrupted protein product. Loss-of-function variants in SDHB are known to be pathogenic (PMID: 19454582, 19802898). This variant is not present in population databases (gnomAD no frequency). This variant has not been reported in the literature in individuals affected with SDHB-related conditions. ClinVar contains an entry for this variant (Variation ID: 658395). For these reasons, this variant has been classified as Pathogenic.

Literature cited by the submitters: PubMed 19454582; PubMed 19802898.

NM_003000.3(SDHB):c.63dup (p.Cys22fs)

Genes: SDHB (succinate dehydrogenase complex iron sulfur subunit B; minus strand), LOC129929542 (ATAC-STARR-seq lymphoblastoid active region 277; plus strand). Cytogenetic location: 1p36.13.
Variant type: Duplication.
Coding change: c.63dup on transcript NM_003000.3 (MANE Select); coding-DNA position 63, one base duplicated (C; older notation c.63dupC).
Protein change: p.Cys22fs; shifts the reading frame from cysteine 22.
Molecular consequence: frameshift variant.
Genome position (GRCh38, 1-based): chr1:17,053,957, G duplicated on the plus strand (C on the coding strand, the reverse complement: SDHB is on the minus strand); the first of 2 consecutive G bases (chr1:17,053,957-17,053,958); duplicating either gives the same sequence. VCF-style (leftmost placement, unchanged base first): chr1-17053956-A-AG. GRCh37 (hg19) VCF-style: chr1-17380451-A-AG.
Other names: c.63dupC (NM_003000.2); short protein forms C22fs.
Identifiers: ClinVar variation 658395 (VCV000658395.8), dbSNP rs1570963451, ClinGen allele CA915941161.
Genomic context (GRCh38, chr1:17,053,956, plus strand): 5'-GCAGTCTCTGTGGCTTTCCTGACTTTTCCCTCTCTGAGGCTCCAGGACTCACCTGCAGGC[A>AG]GGCTCCGCCAAGGGTTGTGGCCGGCAACCGGCGCCTCAAGGAGAGGGCGACCACCGCCGC-3'